The following is an entry in ClinVar:

ClinVar aggregate classification (germline): Pathogenic (1 of 4 stars; one submission).

Conditions:
Multiple acyl-CoA dehydrogenase deficiency (MADD). Also called: ETHYLMALONIC-ADIPICACIDURIA; GA II; Glutaric aciduria, type 2; Glutaric acidemia type II; GA 2; Glutaric Acidemia type 2. Identifiers: Orphanet 26791, MedGen C0268596, MONDO:0009282, OMIM 231680.

Submission:

Labcorp Genetics (formerly Invitae), Labcorp
Classification: Pathogenic for Multiple acyl-CoA dehydrogenase deficiency. Last evaluated: 2022-12-17. Review status: criteria provided, single submitter. Criteria: Invitae Variant Classification Sherloc (09022015). Collection method: clinical testing. Allele origin: germline.
Comment: For these reasons, this variant has been classified as Pathogenic. Algorithms developed to predict the effect of sequence changes on RNA splicing suggest that this variant may disrupt the consensus splice site. This variant has not been reported in the literature in individuals affected with ETFDH-related conditions. This variant is not present in population databases (gnomAD no frequency). This sequence change creates a premature translational stop signal (p.Glu193*) in the ETFDH gene. It is expected to result in an absent or disrupted protein product. Loss-of-function variants in ETFDH are known to be pathogenic (PMID: 16510302, 23785301).

Literature cited by the submitters: PubMed 16510302; PubMed 23785301.

NM_004453.4(ETFDH):c.577G>T (p.Glu193Ter)

Gene: ETFDH (electron transfer flavoprotein dehydrogenase; plus strand). Cytogenetic location: 4q32.1.
Variant type: single nucleotide variant.
Coding change: c.577G>T on transcript NM_004453.4 (MANE Select); coding-DNA position 577, G replaced by T.
Protein change: p.Glu193Ter; replaces glutamic acid 193 with a stop codon.
Molecular consequence: nonsense.
Genome position (GRCh38, 1-based): chr4:158,685,190, G>T. VCF-style: chr4-158685190-G-T. GRCh37 (hg19) VCF-style: chr4-159606342-G-T.
Other names: c.436G>T, p.Glu146Ter (NM_001281737.2); c.394G>T, p.Glu132Ter (NM_001281738.1); short protein forms E146*, E132*, E193*.
Identifiers: ClinVar variation 2820092 (VCV002820092.3), dbSNP rs1773973345, ClinGen allele CA358575551.